The following is an entry in ClinVar:

NM_153460.4(IL17RC):c.1387+5G>A

Gene: IL17RC (interleukin 17 receptor C; plus strand). Cytogenetic location: 3p25.3.
Variant type: single nucleotide variant.
Coding change: c.1387+5G>A on transcript NM_153460.4 (MANE Select); 5 bases into the intron after coding-DNA position 1387, G replaced by A.
Molecular consequence: intron variant.
Genome position (GRCh38, 1-based): chr3:9,930,948, G>A. VCF-style: chr3-9930948-G-A. GRCh37 (hg19) VCF-style: chr3-9972632-G-A.
Other names: c.1600+5G>A (NM_153461.4); c.1387+5G>A (NM_001203263.2); c.1336+5G>A (NM_001203264.2); c.1348+5G>A (NM_001367278.1); c.1342+5G>A (NM_032732.6, NM_001367280.1); c.1291+5G>A (NM_001203265.2); c.1267+5G>A (NM_001367279.1).
Identifiers: ClinVar variation 1051149 (VCV001051149.5), dbSNP rs2125283019, ClinGen allele CA2499217000.
Genomic context (GRCh38, chr3:9,930,948, plus strand): 5'-CTTACAGCTATGGGACGATGACTTGGGAGCGCTATGGGCCTGCCCCATGGACAAATGTGA[G>A]TATTGTAAGAACTGCCTTTCCTTTCTGTACCAGGAGTGGGGATCTTGACAGGGACCACTC-3'

ClinVar aggregate classification (germline): Uncertain significance (1 of 4 stars; one submission).

Conditions:
Candidiasis, familial, 9 (CANDF9). Identifiers: Orphanet 1334, MedGen C4225324, MONDO:0014642, OMIM 616445.

Allele frequency attached by ClinVar (database versions not stated): gnomAD exomes 0.00001.
gnomAD v4.1: 5 of 1,612,932 alleles (0.00031%); highest among the groups gnomAD compares: Non-Finnish European, 0.00042%; no homozygotes.

Submission:

Labcorp Genetics (formerly Invitae), Labcorp
Classification: Uncertain significance for Candidiasis, familial, 9. Last evaluated: 2020-08-23. Review status: criteria provided, single submitter. Criteria: Invitae Variant Classification Sherloc (09022015). Collection method: clinical testing. Allele origin: germline.
Comment: Nucleotide substitutions within the consensus splice site are a relatively common cause of aberrant splicing (PMID: 17576681, 9536098). Algorithms developed to predict the effect of sequence changes on RNA splicing suggest that this variant may disrupt the consensus splice site, but this prediction has not been confirmed by published transcriptional studies. In summary, the available evidence is currently insufficient to determine the role of this variant in disease. Therefore, it has been classified as a Variant of Uncertain Significance. This variant has not been reported in the literature in individuals with IL17RC-related conditions. This variant is not present in population databases (ExAC no frequency). This sequence change falls in intron 16 of the IL17RC gene. It does not directly change the encoded amino acid sequence of the IL17RC protein, but it affects a nucleotide within the consensus splice site of the intron.

Literature cited by the submitters: PubMed 17576681; PubMed 9536098.